The following is an entry in ClinVar:

NM_001267550.2(TTN):c.24749_24761del (p.Gly8250fs)

Gene: TTN (titin; minus strand). Cytogenetic location: 2q31.2.
Variant type: Deletion.
Coding change: c.24749_24761del on transcript NM_001267550.2 (MANE Select); coding-DNA positions 24749 to 24761, 13 bases deleted (GTCAAGATATCTG).
Protein change: p.Gly8250fs; shifts the reading frame from glycine 8250.
Molecular consequence: frameshift variant. On other transcripts: intron variant (3).
Genome position (GRCh38, 1-based): chr2:178,718,345-178,718,357, CAGATATCTTGAC deleted on the plus strand (GTCAAGATATCTG on the coding strand, the reverse complement: TTN is on the minus strand); deleting any 13 consecutive bases within chr2:178,718,345-178,718,360 gives the same sequence; the c. name uses the placement nearest the transcript's 3' end. VCF-style (leftmost placement, unchanged base first): chr2-178718344-ACAGATATCTTGAC-A. GRCh37 (hg19) VCF-style: chr2-179583071-ACAGATATCTTGAC-A.
Other names: c.23798_23810del, p.Gly7933fs (NM_001256850.1); c.21017_21029del, p.Gly7006fs (NM_133378.4); c.13282+19725_13282+19737del (NM_003319.4); c.13858+19725_13858+19737del (NM_133437.4); c.13657+19725_13657+19737del (NM_133432.3); short protein forms G7006fs, G7933fs, G8250fs.
Identifiers: ClinVar variation 1303087 (VCV001303087.2), dbSNP rs2154299483, ClinGen allele CA2573051801.
Genomic context (GRCh38, chr2:178,718,344, plus strand): 5'-AGAAAGAGAGCAATAAAAAGAGGTAGCTGTCAACACACCTAAGACAGACACCAGAGCTTC[ACAGATATCTTGAC>A]CAGCCTCATTTTCTATCAGGCAGCTGTACTGTGCATAATCCTCTATTGTGCTCTCAAGAA-3'

ClinVar aggregate classification (germline): Uncertain significance (1 of 4 stars; one submission).

Submission:

GeneDx
Classification: Uncertain significance. Last evaluated: 2020-02-05. Review status: criteria provided, single submitter. Criteria: GeneDx Variant Classification Process June 2021. Collection method: clinical testing. Allele origin: germline. Affected: yes.
Comment: Identified in an individual from a hypertrophic cardiomyopathy (HCM) cohort (Herman et al., 2012); Not observed in large population cohorts (Lek et al., 2016); Frameshift variant located in the I-band region that does not affect one of the constitutive exons; studies suggest that truncating variants affecting constitutive exons throughout the TTN gene are significantly associated with DCM (Deo, 2016; Schafer et al., 2017); This variant is associated with the following publications: (PMID: 22335739)